The following is an entry in ClinVar:

NM_001145809.2(MYH14):c.5047G>T (p.Glu1683Ter)

Gene: MYH14 (myosin heavy chain 14; plus strand). Cytogenetic location: 19q13.33.
Variant type: single nucleotide variant.
Coding change: c.5047G>T on transcript NM_001145809.2 (MANE Select); coding-DNA position 5047, G replaced by T.
Protein change: p.Glu1683Ter; replaces glutamic acid 1683 with a stop codon.
Molecular consequence: nonsense.
Genome position (GRCh38, 1-based): chr19:50,290,968, G>T. VCF-style: chr19-50290968-G-T. GRCh37 (hg19) VCF-style: chr19-50794225-G-T.
Other names: c.4948G>T, p.Glu1650Ter (NM_001077186.2); c.4924G>T, p.Glu1642Ter (NM_024729.4); short protein forms E1642*, E1650*, E1683*.
Identifiers: ClinVar variation 1048990 (VCV001048990.1), dbSNP rs2123450185, ClinGen allele CA406961873.

ClinVar aggregate classification (germline): Uncertain significance (0 of 4 stars; one submission).

Submission:

Department of Pathology and Laboratory Medicine, Sinai Health System
Classification: Uncertain significance. Review status: no assertion criteria provided. Collection method: clinical testing. Allele origin: unknown. Affected: yes. Study: The Canadian Open Genetics Repository (COGR).
Comment: The MYH14 p.Glu1642* variant was not identified in the literature nor was it identified in dbSNP, ClinVar, LOVD 3.0 or in the following control databases: the 1000 Genomes Project, the NHLBI GO Exome Sequencing Project, or the Genome Aggregation Database (March 6, 2019, v2.1.1). The c.4924G>T variant leads to a premature stop codon at position 1642 which is predicted to lead to a truncated or absent protein and loss of function. However, evidence for loss of function variants in the MYH14 gene is not a well established mechanism of disease, therefore it is unclear how this variant would contribute to disease. The variant occurs outside of the splicing consensus sequence and in silico or computational prediction software programs (SpliceSiteFinder, MaxEntScan, NNSPLICE, GeneSplicer) do not predict a difference in splicing. In summary, based on the above information the clinical significance of this variant cannot be determined with certainty at this time. This variant is classified as a variant of uncertain significance.